The following is an entry in ClinVar:

ClinVar aggregate classification (germline): Conflicting classifications of pathogenicity. Review status: criteria provided, conflicting classifications (1 of 4 stars). 8 submissions from 8 submitters: Uncertain significance (1); Likely benign (4). 3 of the submissions do not count toward it. Last evaluated 2025-12-17.

Conditions:
EGF-related disorder. Also called: EGF-related condition.
Renal hypomagnesemia 4. Also called: HYPOMAGNESEMIA, RENAL, NORMOCALCIURIC. Identifiers: Orphanet 34527, MedGen C2673648, MONDO:0012717, OMIM 611718.

Allele frequency attached by ClinVar (database versions not stated): 1000 Genomes Project 30x 0.00125; gnomAD exomes 0.00156 and 0.00299; ExAC 0.00157; 1000 Genomes Project 0.00160; TOPMed 0.00174; ESP Exome Variant Server 0.00177; gnomAD 0.00183 and 0.00185.
gnomAD v4.1: 4,570 of 1,614,150 alleles (0.28%); highest among the groups gnomAD compares: Non-Finnish European, 0.37%; 6 homozygotes.

Submissions (8):

Labcorp Genetics (formerly Invitae), Labcorp
Classification: Likely benign. Last evaluated: 2025-12-17. Review status: criteria provided, single submitter. Criteria: Invitae Variant Classification Sherloc (09022015). Collection method: clinical testing. Allele origin: germline.

Mayo Clinic Laboratories, Mayo Clinic
Classification: Likely benign. Last evaluated: 2025-12-04. Review status: criteria provided, single submitter. Criteria: ACMG Guidelines, 2015. Collection method: clinical testing. Allele origin: germline. Observed: 2 variant alleles.
Comment: BS1, PP3_moderate

Blueprint Genetics
Classification: Uncertain significance. Last evaluated: 2024-11-25. Review status: criteria provided, single submitter. Criteria: ACMG Guidelines, 2015. Collection method: clinical testing. Allele origin: germline.

Illumina Laboratory Services, Illumina
Classification: Likely benign for Renal hypomagnesemia 4. Last evaluated: 2018-01-13. Review status: criteria provided, single submitter. Criteria: ICSL Variant Classification Criteria 13 December 2019. Collection method: clinical testing. Allele origin: germline.
Comment: This variant was observed in the ICSL laboratory as part of a predisposition screen in an ostensibly healthy population. It had not been previously curated by ICSL or reported in the Human Gene Mutation Database (HGMD: prior to June 1st, 2018), and was therefore a candidate for classification through an automated scoring system. Utilizing variant allele frequency, disease prevalence and penetrance estimates, and inheritance mode, an automated score was calculated to assess if this variant is too frequent to cause the disease. Based on the score and internal cut-off values, a variant classified as likely benign is not then subjected to further curation. The score for this variant resulted in a classification of likely benign for this disease.

Breakthrough Genomics
Classification: Likely benign. Review status: criteria provided, single submitter. Criteria: ACMG Guidelines, 2015. Collection method: not provided. Allele origin: germline. Inheritance: Autosomal recessive inheritance. Affected: yes.

PreventionGenetics, part of Exact Sciences
Classification: Likely benign for EGF-related condition. Last evaluated: 2022-01-25. Review status: no assertion criteria provided. Collection method: clinical testing. Allele origin: germline. Not counted in ClinVar's aggregate classification.
Comment: This variant is classified as likely benign based on ACMG/AMP sequence variant interpretation guidelines (Richards et al. 2015 PMID: 25741868, with internal and published modifications).

Clinical Genetics DNA and cytogenetics Diagnostics Lab, Erasmus MC, Erasmus Medical Center
Classification: Likely benign. Review status: no assertion criteria provided. Collection method: clinical testing. Allele origin: germline. Affected: yes. Study: VKGL Data-share Consensus. Not counted in ClinVar's aggregate classification.

Genome Diagnostics Laboratory, University Medical Center Utrecht
Classification: Likely benign. Review status: no assertion criteria provided. Collection method: clinical testing. Allele origin: germline. Affected: yes. Study: VKGL Data-share Consensus. Not counted in ClinVar's aggregate classification.

NM_001963.6(EGF):c.1723G>A (p.Gly575Arg)

Gene: EGF (epidermal growth factor; plus strand). Cytogenetic location: 4q25.
Variant type: single nucleotide variant.
Coding change: c.1723G>A on transcript NM_001963.6 (MANE Select); coding-DNA position 1723, G replaced by A.
Protein change: p.Gly575Arg; replaces glycine 575 with arginine.
Molecular consequence: missense variant.
Genome position (GRCh38, 1-based): chr4:109,969,118, G>A. VCF-style: chr4-109969118-G-A. GRCh37 (hg19) VCF-style: chr4-110890274-G-A.
Other names: p.Gly575Arg; c.1723G>A, p.Gly575Arg (NM_001178130.3); c.1597G>A, p.Gly533Arg (NM_001178131.3, NM_001357021.2); short protein forms G575R, G533R.
Identifiers: ClinVar variation 347238 (VCV000347238.20), dbSNP rs115396821, ClinGen allele CA3043765.